The following is an entry in ClinVar:

ClinVar aggregate classification (germline): Pathogenic (1 of 4 stars; one submission).

Submission:

Labcorp Genetics (formerly Invitae), Labcorp
Classification: Pathogenic. Last evaluated: 2024-10-28. Review status: criteria provided, single submitter. Criteria: Invitae Variant Classification Sherloc (09022015). Collection method: clinical testing. Allele origin: germline.
Comment: This sequence change creates a premature translational stop signal (p.Leu174Cysfs*2) in the GNPTG gene. It is expected to result in an absent or disrupted protein product. Loss-of-function variants in GNPTG are known to be pathogenic (PMID: 19370764, 20301784). This variant is not present in population databases (gnomAD no frequency). This variant has not been reported in the literature in individuals affected with GNPTG-related conditions. For these reasons, this variant has been classified as Pathogenic.

Literature cited by the submitters: PubMed 19370764; PubMed 20301784.

NM_032520.5(GNPTG):c.521del (p.Leu174fs)

Gene: GNPTG (N-acetylglucosamine-1-phosphate transferase subunit gamma; plus strand). Cytogenetic location: 16p13.3.
Variant type: Deletion.
Coding change: c.521del on transcript NM_032520.5 (MANE Select); coding-DNA position 521, one base deleted (T; older notation c.521delT).
Protein change: p.Leu174fs; shifts the reading frame from leucine 174.
Molecular consequence: frameshift variant.
Genome position (GRCh38, 1-based): chr16:1,362,315, T deleted; the last of 2 consecutive T bases (chr16:1,362,314-1,362,315); deleting either gives the same sequence. VCF-style (leftmost placement, unchanged base first): chr16-1362313-CT-C. GRCh37 (hg19) VCF-style: chr16-1412314-CT-C.
Other names: short protein forms L174fs.
Identifiers: ClinVar variation 3670107 (VCV003670107.2).